The following is an entry in ClinVar:

ClinVar aggregate classification (germline): Uncertain significance. Review status: criteria provided, multiple submitters, no conflicts (2 of 4 stars). 2 submissions from 2 submitters: Uncertain significance (2). Last evaluated 2025-09-29.

Conditions:
Cardiovascular phenotype. Identifiers: MedGen CN230736.

Allele frequency attached by ClinVar (database versions not stated): gnomAD 0.00001; gnomAD exomes 0.00001; TOPMed 0.00002.
gnomAD v4.1: 6 of 1,209,517 alleles (0.0005%); highest among the groups gnomAD compares: Admixed American, 0.013%; no homozygotes.

Submissions (2):

Labcorp Genetics (formerly Invitae), Labcorp
Classification: Uncertain significance. Last evaluated: 2025-09-29. Review status: criteria provided, single submitter. Criteria: Invitae Variant Classification Sherloc (09022015). Collection method: clinical testing. Allele origin: germline.
Comment: This sequence change replaces isoleucine, which is neutral and non-polar, with valine, which is neutral and non-polar, at codon 126 of the BGN protein (p.Ile126Val). This variant is present in population databases (no rsID available, gnomAD 0.02%). This variant has not been reported in the literature in individuals affected with BGN-related conditions. ClinVar contains an entry for this variant (Variation ID: 1734738). Invitae Evidence Modeling of protein sequence and biophysical properties (such as structural, functional, and spatial information, amino acid conservation, physicochemical variation, residue mobility, and thermodynamic stability) indicates that this missense variant is not expected to disrupt BGN protein function with a negative predictive value of 80%. In summary, the available evidence is currently insufficient to determine the role of this variant in disease. Therefore, it has been classified as a Variant of Uncertain Significance.

Ambry Genetics
Classification: Uncertain significance for Cardiovascular phenotype. Last evaluated: 2022-07-27. Review status: criteria provided, single submitter. Criteria: Ambry Variant Classification Scheme 2023. Collection method: clinical testing. Allele origin: germline.
Comment: The p.I126V variant (also known as c.376A>G), located in coding exon 3 of the BGN gene, results from an A to G substitution at nucleotide position 376. The isoleucine at codon 126 is replaced by valine, an amino acid with highly similar properties. This amino acid position is conserved. In addition, the in silico prediction for this alteration is inconclusive. Since supporting evidence is limited at this time, the clinical significance of this alteration remains unclear.

NM_001711.6(BGN):c.376A>G (p.Ile126Val)

Gene: BGN (biglycan; plus strand). Cytogenetic location: Xq28.
Variant type: single nucleotide variant.
Coding change: c.376A>G on transcript NM_001711.6 (MANE Select); coding-DNA position 376, A replaced by G.
Protein change: p.Ile126Val; replaces isoleucine 126 with valine.
Molecular consequence: missense variant.
Genome position (GRCh38, 1-based): chrX:153,505,887, A>G. VCF-style: chrX-153505887-A-G. GRCh37 (hg19) VCF-style: chrX-152771345-A-G.
Other names: short protein forms I126V.
Identifiers: ClinVar variation 1734738 (VCV001734738.7), dbSNP rs1413093813, ClinGen allele CA415069275.